The following is an entry in ClinVar:

ClinVar aggregate classification (germline): Uncertain significance (1 of 4 stars; one submission).

Allele frequency attached by ClinVar (database versions not stated): ExAC 0.00001; gnomAD exomes 0.00002.
gnomAD v4.1: 33 of 1,608,050 alleles (0.0021%); highest among the groups gnomAD compares: East Asian, 0.025%; no homozygotes.

Submission:

Labcorp Genetics (formerly Invitae), Labcorp
Classification: Uncertain significance. Last evaluated: 2022-07-30. Review status: criteria provided, single submitter. Criteria: Invitae Variant Classification Sherloc (09022015). Collection method: clinical testing. Allele origin: germline.
Comment: This sequence change replaces valine, which is neutral and non-polar, with isoleucine, which is neutral and non-polar, at codon 326 of the NDUFS1 protein (p.Val326Ile). This variant is present in population databases (rs762397149, gnomAD 0.01%). This variant has not been reported in the literature in individuals affected with NDUFS1-related conditions. Algorithms developed to predict the effect of missense changes on protein structure and function are either unavailable or do not agree on the potential impact of this missense change (SIFT: "Deleterious"; PolyPhen-2: "Benign"; Align-GVGD: "Class C25"). In summary, the available evidence is currently insufficient to determine the role of this variant in disease. Therefore, it has been classified as a Variant of Uncertain Significance.

NM_005006.7(NDUFS1):c.976G>A (p.Val326Ile)

Gene: NDUFS1 (NADH:ubiquinone oxidoreductase core subunit S1; minus strand). Cytogenetic location: 2q33.3.
Variant type: single nucleotide variant.
Coding change: c.976G>A on transcript NM_005006.7 (MANE Select); coding-DNA position 976, G replaced by A.
Protein change: p.Val326Ile; replaces valine 326 with isoleucine.
Molecular consequence: missense variant.
Genome position (GRCh38, 1-based): chr2:206,144,029, C>T on the plus strand (G>A on the coding strand, the complement: NDUFS1 is on the minus strand). VCF-style: chr2-206144029-C-T. GRCh37 (hg19) VCF-style: chr2-207008753-C-T.
Other names: c.868G>A, p.Val290Ile (NM_001199981.2); c.643G>A, p.Val215Ile (NM_001199982.2); c.805G>A, p.Val269Ile (NM_001199983.2); c.1018G>A, p.Val340Ile (NM_001199984.2); short protein forms V215I, V269I, V290I, V326I, V340I.
Identifiers: ClinVar variation 2427935 (VCV002427935.6), dbSNP rs762397149, ClinGen allele CA2070604.